The following is an entry in ClinVar:

NM_001023.4(RPS20):c.43G>T (p.Val15Leu)

Gene: RPS20 (ribosomal protein S20; minus strand). Cytogenetic location: 8q12.1.
Variant type: single nucleotide variant.
Coding change: c.43G>T on transcript NM_001023.4 (MANE Select); coding-DNA position 43, G replaced by T.
Protein change: p.Val15Leu; replaces valine 15 with leucine.
Molecular consequence: missense variant.
Genome position (GRCh38, 1-based): chr8:56,074,120, C>A on the plus strand (G>T on the coding strand, the complement: RPS20 is on the minus strand). VCF-style: chr8-56074120-C-A. GRCh37 (hg19) VCF-style: chr8-56986679-C-A.
Other names: c.43G>T, p.Val15Leu (NM_001146227.3); short protein forms V15L.
Identifiers: ClinVar variation 3947636 (VCV003947636.1).
Genomic context (GRCh38, chr8:56,074,120, plus strand): 5'-CCTTTTCCAAGGATTTTACGTTGCGGCTTGTTAGGGTGATTCGAATTCGGTGAATTGCCA[C>A]CTCCGGCTCCACGGGTGTTTTTCCGGTATCCTTAAAAGCCTATTATTAGATACATGAAAA-3'
Protein context (NP_001014.1, residues 5-25): DTGKTPVEPE[Val15Leu]AIHRIRITLT

ClinVar aggregate classification (germline): Uncertain significance (1 of 4 stars; one submission).

Submission:

Ambry Genetics
Classification: Uncertain significance. Last evaluated: 2025-06-02. Review status: criteria provided, single submitter. Criteria: Ambry Variant Classification Scheme 2023. Collection method: clinical testing. Allele origin: germline.
Comment: The p.V15L variant (also known as c.43G>T), located in coding exon 2 of the RPS20 gene, results from a G to T substitution at nucleotide position 43. The valine at codon 15 is replaced by leucine, an amino acid with highly similar properties. This amino acid position is conserved. In addition, the in silico prediction for this alteration is inconclusive. Based on the available evidence, the clinical significance of this variant remains unclear.